The following is an entry in ClinVar:

ClinVar aggregate classification (germline): Uncertain significance (1 of 4 stars; one submission).

Allele frequency attached by ClinVar (database versions not stated): gnomAD exomes 0.00001; TOPMed 0.00001.
gnomAD v4.1: 9 of 1,614,232 alleles (0.00056%); highest among the groups gnomAD compares: Non-Finnish European, 0.00068%; no homozygotes.

Submission:

Labcorp Genetics (formerly Invitae), Labcorp
Classification: Uncertain significance. Last evaluated: 2022-09-09. Review status: criteria provided, single submitter. Criteria: Invitae Variant Classification Sherloc (09022015). Collection method: clinical testing. Allele origin: germline.
Comment: In summary, the available evidence is currently insufficient to determine the role of this variant in disease. Therefore, it has been classified as a Variant of Uncertain Significance. Advanced modeling of protein sequence and biophysical properties (such as structural, functional, and spatial information, amino acid conservation, physicochemical variation, residue mobility, and thermodynamic stability) performed at Invitae indicates that this missense variant is not expected to disrupt ALPK1 protein function. This variant has not been reported in the literature in individuals affected with ALPK1-related conditions. This variant is not present in population databases (gnomAD no frequency). This sequence change replaces methionine, which is neutral and non-polar, with threonine, which is neutral and polar, at codon 638 of the ALPK1 protein (p.Met638Thr).

NM_025144.4(ALPK1):c.1913T>C (p.Met638Thr)

Gene: ALPK1 (alpha kinase 1; plus strand). Cytogenetic location: 4q25.
Variant type: single nucleotide variant.
Coding change: c.1913T>C on transcript NM_025144.4 (MANE Select); coding-DNA position 1913, T replaced by C.
Protein change: p.Met638Thr; replaces methionine 638 with threonine.
Molecular consequence: missense variant.
Genome position (GRCh38, 1-based): chr4:112,431,460, T>C. VCF-style: chr4-112431460-T-C. GRCh37 (hg19) VCF-style: chr4-113352616-T-C.
Other names: c.1913T>C, p.Met638Thr (NM_001102406.2); c.1679T>C, p.Met560Thr (NM_001253884.2); short protein forms M560T, M638T.
Identifiers: ClinVar variation 1719088 (VCV001719088.5), dbSNP rs770713632, ClinGen allele CA3046825.